The following is an entry in ClinVar:

ClinVar aggregate classification (germline): Conflicting classifications of pathogenicity. Review status: criteria provided, conflicting classifications (1 of 4 stars). 10 submissions from 10 submitters: Uncertain significance (3); Benign (1); Likely benign (4). 2 of the submissions do not count toward it. Last evaluated 2026-02-02.

Conditions:
BRCA2-related disorder. Also called: BRCA2-related condition; BRCA2-related disorders. Identifiers: MedGen CN239275.
BRCA2-related cancer predisposition. Identifiers: MedGen CN377758, MONDO:0700269.
Hereditary cancer-predisposing syndrome. Also called: Hereditary neoplastic syndrome; Tumor predisposition; Hereditary Cancer Syndrome; Neoplastic Syndromes, Hereditary. Identifiers: Orphanet 140162, MedGen C0027672, MeSH D009386, MONDO:0015356.
Hereditary breast ovarian cancer syndrome. Also called: Hereditary breast and/or ovarian cancer syndrome; Breast and ovarian cancer; Hereditary breast and ovarian cancer; Hereditary breast and ovarian cancer syndrome (HBOC); Hereditary breast and ovarian cancer syndrome; BRCA1- and BRCA2-Associated Hereditary Breast and Ovarian Cancer. Identifiers: Orphanet 145, MedGen C0677776, MeSH D061325, MONDO:0003582. Disease mechanism: loss of function.
Breast-ovarian cancer, familial, susceptibility to, 2 (BROVCA2). Also called: BRCA2 Hereditary Breast and Ovarian Cancer. Identifiers: Orphanet 145, MedGen C2675520, MONDO:0012933, OMIM 612555. Disease mechanism: loss of function.
Familial cancer of breast. Also called: Hereditary breast cancer; hereditary breast carcinoma; BREAST CANCER, FAMILIAL. Identifiers: Orphanet 227535, MedGen C0346153, MONDO:0016419, OMIM 114480. Disease mechanism: loss of function.

Allele frequency attached by ClinVar (database versions not stated): gnomAD 0.00001; gnomAD exomes below 0.00001; TOPMed below 0.00001.
gnomAD v4.1: 4 of 1,613,766 alleles (0.00025%); highest among the groups gnomAD compares: Admixed American, 0.0017%; no homozygotes.

Submissions (10):

Myriad Genetics, Inc.
Classification: Benign for Breast-ovarian cancer, familial, susceptibility to, 2. Last evaluated: 2026-02-02. Review status: criteria provided, single submitter. Criteria: Myriad Autosomal Dominant, Autosomal Recessive and X-Linked Classification Criteria (2023). Collection method: clinical testing. Allele origin: unknown.
Comment: This variant is considered benign. This variant has been observed in trans with a known pathogenic variant in one or more individuals lacking clinical features consistent with gene-specific recessive disease. This variant is strongly associated with less severe personal and family histories of cancer, typical for individuals without pathogenic variants in this gene [PMID: 25085752].

Labcorp Genetics (formerly Invitae), Labcorp
Classification: Likely benign for Hereditary breast ovarian cancer syndrome. Last evaluated: 2025-08-05. Review status: criteria provided, single submitter. Criteria: Invitae Variant Classification Sherloc (09022015). Collection method: clinical testing. Allele origin: germline.

Ambry Genetics
Classification: Uncertain significance for Hereditary cancer-predisposing syndrome. Last evaluated: 2024-06-19. Review status: criteria provided, single submitter. Criteria: Ambry Variant Classification Scheme 2023. Collection method: clinical testing. Allele origin: germline.
Comment: The p.P2408S variant (also known as c.7222C>T), located in coding exon 13 of the BRCA2 gene, results from a C to T substitution at nucleotide position 7222. The proline at codon 2408 is replaced by serine, an amino acid with similar properties. This amino acid position is highly conserved in available vertebrate species. In addition, the in silico prediction for this alteration is inconclusive. Based on the available evidence, the clinical significance of this variant remains unclear.

All of Us Research Program, National Institutes of Health
Classification: Likely benign for BRCA2-related cancer predisposition. Last evaluated: 2024-04-25. Review status: criteria provided, single submitter. Criteria: ACMG Guidelines, 2015. Collection method: clinical testing. Allele origin: germline. Inheritance: Autosomal dominant inheritance. Observed: 1 variant allele, 1 heterozygote.
Comment: This study involves interpretation of variants in research participants for the purpose of population health screening. Participant phenotype was not available at the time of variant classification. Additional details can be found in publication PMID: 35346344, PMCID: PMC8962531

MGZ Medical Genetics Center
Classification: Likely benign for Familial cancer of breast. Last evaluated: 2024-02-09. Review status: criteria provided, single submitter. Criteria: CSpec BRCA1/2ACMG Rules Specifications V1.1.0. Collection method: clinical testing. Allele origin: germline. Affected: yes.
Comment: ACMG codes applied following ENIGMA VCEP rules: BP1_STR, PM2_SUP

Quest Diagnostics Nichols Institute San Juan Capistrano
Classification: Uncertain significance. Last evaluated: 2023-11-18. Review status: criteria provided, single submitter. Criteria: Quest Diagnostics criteria. Collection method: clinical testing. Allele origin: unknown.
Comment: The BRCA2 c.7222C>T (p.Pro2408Ser) variant has not been reported in individuals with BRCA2-related conditions in the published literature. The frequency of this variant in the general population, 0.000004 (1/251288 chromosomes (Genome Aggregation Database)), is uninformative in the assessment of its pathogenicity. Analysis of this variant using a bioinformatics tool for the prediction of the effect of amino acid changes on protein structure and function yielded predictions that this variant is damaging. Based on the available information, we are unable to determine the clinical significance of this variant.

GeneDx
Classification: Uncertain significance. Last evaluated: 2019-05-17. Review status: criteria provided, single submitter. Criteria: GeneDx Variant Classification Process June 2021. Collection method: clinical testing. Allele origin: germline. Affected: yes.
Comment: Not observed at a significant frequency in large population cohorts (Lek et al., 2016); This variant is associated with the following publications: (PMID: 17541404, 30212499)

Color Diagnostics, LLC DBA Color Health
Classification: Likely benign for Hereditary cancer-predisposing syndrome. Last evaluated: 2017-11-10. Review status: criteria provided, single submitter. Criteria: ACMG Guidelines, 2015. Collection method: clinical testing. Allele origin: germline.

PreventionGenetics, part of Exact Sciences
Classification: Uncertain significance for BRCA2-related condition. Last evaluated: 2024-06-08. Review status: no assertion criteria provided. Collection method: clinical testing. Allele origin: germline. Not counted in ClinVar's aggregate classification.
Comment: The BRCA2 c.7222C>T variant is predicted to result in the amino acid substitution p.Pro2408Ser. To our knowledge, this variant has not been reported in the literature. This variant is reported in 0.0029% of alleles in individuals of Latino descent in gnomAD. This variant has conflicting interpretations in ClinVar from uncertain significance to likely benign. At this time, the clinical significance of this variant is uncertain due to the absence of conclusive functional and genetic evidence.

Sharing Clinical Reports Project (SCRP)
Classification: Likely benign for Breast-ovarian cancer, familial 2. Last evaluated: 2014-01-16. Review status: no assertion criteria provided. Collection method: clinical testing. Allele origin: germline. Not counted in ClinVar's aggregate classification.

Literature cited by the submitters: PubMed 25085752 (cited by Myriad Genetics, Inc.).

NM_000059.4(BRCA2):c.7222C>T (p.Pro2408Ser)

Gene: BRCA2 (BRCA2 DNA repair associated; plus strand). Cytogenetic location: 13q13.1.
Variant type: single nucleotide variant.
Coding change: c.7222C>T on transcript NM_000059.4 (MANE Select); coding-DNA position 7222, C replaced by T.
Protein change: p.Pro2408Ser; replaces proline 2408 with serine.
Molecular consequence: missense variant.
Genome position (GRCh38, 1-based): chr13:32,355,075, C>T. VCF-style: chr13-32355075-C-T. GRCh37 (hg19) VCF-style: chr13-32929212-C-T.
Other names: 7450C>T; short protein forms P2408S.
Identifiers: ClinVar variation 91472 (VCV000091472.29), dbSNP rs398122577, ClinGen allele CA024971.
Genomic context (GRCh38, chr13:32,355,075, plus strand): 5'-ACAAGAAATGAAAAAATGAGACACTTGATTACTACAGGCAGACCAACCAAAGTCTTTGTT[C>T]CACCTTTTAAAACTAAATCACATTTTCACAGAGTTGAACAGTGTGTTAGGAATATTAACT-3'
Protein context (NP_000050.3, residues 2398-2418): TTGRPTKVFV[Pro2408Ser]PFKTKSHFHR